The following is an entry in ClinVar:

NM_000637.5(GSR):c.422+3_422+6del

Gene: GSR (glutathione-disulfide reductase; minus strand). Cytogenetic location: 8p12.
Variant type: Deletion.
Coding change: c.422+3_422+6del on transcript NM_000637.5 (MANE Select); bases 3 to 6 of the intron after coding-DNA position 422, 4 bases deleted (AAGT; older notation c.422+3_422+6delAAGT).
Molecular consequence: splice donor variant.
Genome position (GRCh38, 1-based): chr8:30,709,808-30,709,811, ACTT deleted on the plus strand (AAGT on the coding strand, the reverse complement: GSR is on the minus strand); deleting any 4 consecutive bases within chr8:30,709,808-30,709,813 gives the same sequence; the c. name uses the placement nearest the transcript's 3' end. VCF-style (leftmost placement, unchanged base first): chr8-30709807-CACTT-C. GRCh37 (hg19) VCF-style: chr8-30567324-CACTT-C.
Other names: c.422+3_422+6del (NM_001195104.3, NM_001195102.3, NM_001195103.3).
Identifiers: ClinVar variation 2818541 (VCV002818541.3), dbSNP rs2486583073, ClinGen allele CA2739279825.

ClinVar aggregate classification (germline): Uncertain significance (1 of 4 stars; one submission).

Submission:

Labcorp Genetics (formerly Invitae), Labcorp
Classification: Uncertain significance. Last evaluated: 2023-09-19. Review status: criteria provided, single submitter. Criteria: Invitae Variant Classification Sherloc (09022015). Collection method: clinical testing. Allele origin: germline.
Comment: This variant is not present in population databases (gnomAD no frequency). In summary, the available evidence is currently insufficient to determine the role of this variant in disease. Therefore, it has been classified as a Variant of Uncertain Significance. Variants that disrupt the consensus splice site are a relatively common cause of aberrant splicing (PMID: 17576681, 9536098). Algorithms developed to predict the effect of sequence changes on RNA splicing suggest that this variant may disrupt the consensus splice site. This variant has not been reported in the literature in individuals affected with GSR-related conditions. This sequence change falls in intron 3 of the GSR gene. It does not directly change the encoded amino acid sequence of the GSR protein. It affects a nucleotide within the consensus splice site.

Literature cited by the submitters: PubMed 17576681; PubMed 9536098.